The following is an entry in ClinVar:

NM_017841.4(SDHAF2):c.412G>A (p.Ala138Thr)

Gene: SDHAF2 (succinate dehydrogenase complex assembly factor 2; plus strand). Cytogenetic location: 11q12.2.
Variant type: single nucleotide variant.
Coding change: c.412G>A on transcript NM_017841.4 (MANE Select); coding-DNA position 412, G replaced by A.
Protein change: p.Ala138Thr; replaces alanine 138 with threonine.
Molecular consequence: missense variant.
Genome position (GRCh38, 1-based): chr11:61,445,982, G>A. VCF-style: chr11-61445982-G-A. GRCh37 (hg19) VCF-style: chr11-61213454-G-A.
Other names: short protein forms A138T.
Identifiers: ClinVar variation 4758378 (VCV004758378.2).

ClinVar aggregate classification (germline): Uncertain significance. Review status: criteria provided, multiple submitters, no conflicts (2 of 4 stars). 2 submissions from 2 submitters: Uncertain significance (2). Last evaluated 2026-07-07.

Conditions:
Hereditary cancer-predisposing syndrome. Also called: Hereditary Cancer Syndrome; Hereditary neoplastic syndrome; Neoplastic Syndromes, Hereditary; Tumor predisposition. Identifiers: Orphanet 140162, MedGen C0027672, MeSH D009386, MONDO:0015356.
Hereditary pheochromocytoma and paraganglioma. Also called: Hereditary pheochromocytoma-paraganglioma; Hereditary Paraganglioma-Pheochromocytoma Syndromes; Hereditary paragangliomas and pheochromocytomas. Identifiers: Orphanet 29072, MedGen C4274332, MONDO:0017366.

Submissions (2):

Ambry Genetics
Classification: Uncertain significance for Hereditary cancer-predisposing syndrome. Last evaluated: 2026-07-07. Review status: criteria provided, single submitter. Criteria: Ambry Variant Classification Scheme 2023. Collection method: clinical testing. Allele origin: germline.
Comment: The p.A138T variant (also known as c.412G>A), located in coding exon 4 of the SDHAF2 gene, results from a G to A substitution at nucleotide position 412. The alanine at codon 138 is replaced by threonine, an amino acid with similar properties. This amino acid position is conserved. In addition, this alteration is predicted to be tolerated by in silico analysis. Based on the available evidence, the clinical significance of this variant remains unclear.

Color Diagnostics, LLC DBA Color Health
Classification: Uncertain significance for Hereditary pheochromocytoma and paraganglioma. Last evaluated: 2025-08-25. Review status: criteria provided, single submitter. Criteria: ACMG Guidelines, 2015. Collection method: clinical testing. Allele origin: germline.
Comment: This missense variant replaces alanine with threonine at codon 138 of the SDHAF2 protein. Computational prediction suggests that this variant may not impact protein structure and function. To our knowledge, functional studies have not been reported for this variant. This variant has not been reported in individuals affected with SDHAF2-related disorders in the literature. This variant has not been identified in the general population by the Genome Aggregation Database (gnomAD). The available evidence is insufficient to determine the role of this variant in disease conclusively. Therefore, this variant is classified as a Variant of Uncertain Significance.